The following is an entry in ClinVar:

ClinVar aggregate classification (germline): Uncertain significance (1 of 4 stars; one submission).

Submission:

GeneDx
Classification: Uncertain significance. Last evaluated: 2022-04-19. Review status: criteria provided, single submitter. Criteria: GeneDx Variant Classification Process June 2021. Collection method: clinical testing. Allele origin: germline. Affected: yes.
Comment: Not observed at significant frequency in large population cohorts (gnomAD); In silico analysis supports that this missense variant does not alter protein structure/function; Has not been previously published as pathogenic or benign to our knowledge

NM_001270.4(CHD1):c.4017T>G (p.Asn1339Lys)

Gene: CHD1 (chromodomain helicase DNA binding protein 1; minus strand). Cytogenetic location: 5q15.
Variant type: single nucleotide variant.
Coding change: c.4017T>G on transcript NM_001270.4 (MANE Select); coding-DNA position 4017, T replaced by G.
Protein change: p.Asn1339Lys; replaces asparagine 1339 with lysine.
Molecular consequence: missense variant. On other transcripts: non-coding transcript variant (2).
Genome position (GRCh38, 1-based): chr5:98,869,844, A>C on the plus strand (T>G on the coding strand, the complement: CHD1 is on the minus strand). VCF-style: chr5-98869844-A-C. GRCh37 (hg19) VCF-style: chr5-98205548-A-C.
Other names: c.4017T>G, p.Asn1339Lys (NM_001364113.3, NM_001376194.2); short protein forms N1339K.
Identifiers: ClinVar variation 1712041 (VCV001712041.2), dbSNP rs1749200884, ClinGen allele CA360521768.